The following is an entry in ClinVar:

ClinVar aggregate classification (germline): Pathogenic (1 of 4 stars; one submission).

Conditions:
Spinocerebellar ataxia, autosomal recessive, with axonal neuropathy 2 (SCAN2). Also called: Ataxia-ocular apraxia-2; Ataxia with Oculomotor Apraxia; ATAXIA-OCULOMOTOR APRAXIA 2; Ataxia with Oculomotor Apraxia Type 2. Identifiers: Orphanet 64753, MedGen C1853761, MONDO:0018996, OMIM 606002.

Submission:

Variantyx, Inc.
Classification: Pathogenic for Spinocerebellar ataxia, autosomal recessive, with axonal neuropathy 2. Last evaluated: 2025-05-07. Review status: criteria provided, single submitter. Criteria: Variantyx Assertion Criteria 2022. Collection method: clinical testing. Allele origin: germline. Inheritance: Autosomal recessive inheritance. Affected: yes.
Comment: This is a frameshift variant in the SETX gene (OMIM: 608465). Pathogenic variants in this gene have been associated with autosomal recessive spinocerebellar ataxia with axonal neuropathy 2. This variant introduces a premature termination codon in exon 10 out of 26 and is expected to result in loss of function, which is a known disease mechanism for SETX in this disorder (PMID: 14770181) (PVS1). Based on the current evidence, this variant is classified as pathogenic for autosomal recessive spinocerebellar ataxia with axonal neuropathy 2.

Literature cited by the submitters: PubMed 14770181; PubMed 25462094.

NM_015046.7(SETX):c.2364_2365del (p.Ala789fs)

Gene: SETX (senataxin; minus strand). Cytogenetic location: 9q34.13.
Variant type: Microsatellite.
Coding change: c.2364_2365del on transcript NM_015046.7 (MANE Select); coding-DNA positions 2364 to 2365, 2 bases deleted (TG; older notation c.2364_2365delTG).
Protein change: p.Ala789fs; shifts the reading frame from alanine 789.
Molecular consequence: frameshift variant.
Genome position (GRCh38, 1-based): chr9:132,329,233-132,329,234, CA deleted on the plus strand (TG on the coding strand, the reverse complement: SETX is on the minus strand); deleting any 2 consecutive bases within chr9:132,329,233-132,329,236 gives the same sequence; the c. name uses the placement nearest the transcript's 3' end. VCF-style (leftmost placement, unchanged base first): chr9-132329232-GCA-G. GRCh37 (hg19) VCF-style: chr9-135204619-GCA-G.
Other names: c.2364_2365del, p.Ala789fs (NM_001351527.2, NM_001351528.2); short protein forms A789fs.
Identifiers: ClinVar variation 4813709 (VCV004813709.1).
Genomic context (GRCh38, chr9:132,329,232, plus strand): 5'-ATAGTATTATCGACCAAAGTACTCTTCCTGTGTTGCTTCTTTATTACATGTGATAACTTT[GCA>G]CAGATTTCATCTTTCTGTACCTTAGTTTTTCGTTTTGAGGTTTTAGCAAGAGCATCATCC-3'